The following is an entry in ClinVar:

ClinVar aggregate classification (germline): Conflicting classifications of pathogenicity. Review status: criteria provided, conflicting classifications (1 of 4 stars). 4 submissions from 4 submitters: Uncertain significance (3); Likely benign (1). Last evaluated 2025-12-30.

Conditions:
Kabuki syndrome. Also called: Kabuki make-up syndrome; NIIKAWA-KUROKI SYNDROME. Identifiers: Orphanet 2322, MedGen C0796004, MONDO:0016512.
Kabuki syndrome 1 (KABUK1). Also called: KMT2D-Related Kabuki Syndrome. Identifiers: Orphanet 2322, MedGen CN030661, MONDO:0007843, OMIM 147920.
KMT2D-related disorder. Also called: KMT2D-Related Disorders.

Allele frequency attached by ClinVar (database versions not stated): gnomAD exomes 0.00003; ExAC 0.00006.
gnomAD v4.1: 10 of 1,613,476 alleles (0.00062%); highest among the groups gnomAD compares: Admixed American, 0.015%; no homozygotes.

Submissions (4):

PreventionGenetics, part of Exact Sciences
Classification: Likely benign for KMT2D-related condition. Last evaluated: 2025-12-30. Review status: criteria provided, single submitter. Criteria: ACMG Guidelines, 2015. Collection method: clinical testing. Allele origin: germline.
Comment: This variant is classified as likely benign based on ACMG/AMP sequence variant interpretation guidelines (Richards et al. 2015 PMID: 25741868, with internal and published modifications).

ARUP Laboratories, Molecular Genetics and Genomics, ARUP Laboratories
Classification: Uncertain significance. Last evaluated: 2024-05-09. Review status: criteria provided, single submitter. Criteria: ARUP Molecular Germline Variant Investigation Process 2024. Collection method: clinical testing. Allele origin: germline.
Comment: The KMT2D c.8366+6G>T variant (rs749728191), to our knowledge, is not reported in the medical literature but is reported in ClinVar (Variation ID: 1525830). This variant is found in the general population with an overall allele frequency of 0.003% (7/247,972 alleles) in the Genome Aggregation Database (v2.1.1). This is an intronic variant and computational analyses (Alamut Visual Plus v.1.5.1) predict that this variant does not alter splicing. However, since this variant is located within the minimal splice region, the clinical significance of this variant is uncertain at this time.

Labcorp Genetics (formerly Invitae), Labcorp
Classification: Uncertain significance for Kabuki syndrome. Last evaluated: 2023-11-28. Review status: criteria provided, single submitter. Criteria: Invitae Variant Classification Sherloc (09022015). Collection method: clinical testing. Allele origin: germline.
Comment: This sequence change falls in intron 33 of the KMT2D gene. It does not directly change the encoded amino acid sequence of the KMT2D protein. It affects a nucleotide within the consensus splice site. This variant is present in population databases (rs749728191, gnomAD 0.02%). This variant has not been reported in the literature in individuals affected with KMT2D-related conditions. ClinVar contains an entry for this variant (Variation ID: 1525830). Variants that disrupt the consensus splice site are a relatively common cause of aberrant splicing (PMID: 17576681, 9536098). Algorithms developed to predict the effect of sequence changes on RNA splicing suggest that this variant is not likely to affect RNA splicing. In summary, the available evidence is currently insufficient to determine the role of this variant in disease. Therefore, it has been classified as a Variant of Uncertain Significance.

New York Genome Center
Classification: Uncertain significance for Kabuki syndrome 1. Last evaluated: 2021-04-30. Review status: criteria provided, single submitter. Criteria: NYGC Assertion Criteria 2020. Collection method: clinical testing. Allele origin: inherited. Observed: 1 heterozygote. Study: CSER-NYCKidSeq.

Literature cited by the submitters: PubMed 17576681 (cited by Labcorp Genetics (formerly Invitae), Labcorp); PubMed 9536098 (cited by Labcorp Genetics (formerly Invitae), Labcorp).

NM_003482.4(KMT2D):c.8366+6G>T

Gene: KMT2D (lysine methyltransferase 2D; minus strand). Cytogenetic location: 12q13.12.
Variant type: single nucleotide variant.
Coding change: c.8366+6G>T on transcript NM_003482.4 (MANE Select); 6 bases into the intron after coding-DNA position 8366, G replaced by T.
Molecular consequence: intron variant.
Genome position (GRCh38, 1-based): chr12:49,039,216, C>A on the plus strand (G>T on the coding strand, the complement: KMT2D is on the minus strand). VCF-style: chr12-49039216-C-A. GRCh37 (hg19) VCF-style: chr12-49432999-C-A.
Identifiers: ClinVar variation 1525830 (VCV001525830.9), dbSNP rs749728191, ClinGen allele CA6546849.
Genomic context (GRCh38, chr12:49,039,216, plus strand): 5'-GAGCTTCCAACAGTGATAAAATCCATCCCCCTTGGTTTACCCCCAGGGAACCTCCTGGAG[C>A]CTCACCGGCTGTTCACATCCATAGAGGAAGGCGTGGCTGGTGGAGGTGGCCGGGAGAGTC-3'